The following is an entry in ClinVar:

ClinVar aggregate classification (germline): Benign/Likely benign. Review status: criteria provided, multiple submitters, no conflicts (2 of 4 stars). 5 submissions from 5 submitters: Benign (1); Likely benign (4). Last evaluated 2026-04-17.

Conditions:
Hereditary cancer-predisposing syndrome. Also called: Tumor predisposition; Hereditary Cancer Syndrome; Neoplastic Syndromes, Hereditary; Hereditary neoplastic syndrome. Identifiers: Orphanet 140162, MedGen C0027672, MeSH D009386, MONDO:0015356.
DICER1-related tumor predisposition. Also called: DICER1 syndrome; DICER1-related pleuropulmonary blastoma cancer predisposition syndrome. Identifiers: Orphanet 284343, MedGen C3839822, MONDO:0100216.

Allele frequency attached by ClinVar (database versions not stated): TOPMed below 0.00001; gnomAD exomes 0.00002.
gnomAD v4.1: 32 of 1,614,234 alleles (0.002%); highest among the groups gnomAD compares: Non-Finnish European, 0.0025%; no homozygotes.

Submissions (5):

Myriad Genetics, Inc.
Classification: Benign for DICER1-related tumor predisposition. Last evaluated: 2026-04-17. Review status: criteria provided, single submitter. Criteria: Myriad Autosomal Dominant, Autosomal Recessive and X-Linked Classification Criteria (2023). Collection method: clinical testing. Allele origin: unknown.
Comment: This variant is considered benign. This variant is a silent/synonymous amino acid change and it is not expected to impact splicing.

Labcorp Genetics (formerly Invitae), Labcorp
Classification: Likely benign for DICER1-related tumor predisposition. Last evaluated: 2025-09-23. Review status: criteria provided, single submitter. Criteria: Invitae Variant Classification Sherloc (09022015). Collection method: clinical testing. Allele origin: germline.

Sema4
Classification: Likely benign for Hereditary cancer-predisposing syndrome. Last evaluated: 2021-03-16. Review status: criteria provided, single submitter. Criteria: Sema4 Curation Guidelines. Collection method: curation. Allele origin: germline.

Blueprint Genetics
Classification: Likely benign. Last evaluated: 2019-11-08. Review status: criteria provided, single submitter. Criteria: ACMG Guidelines, 2015. Collection method: clinical testing. Allele origin: germline.

Ambry Genetics
Classification: Likely benign for Hereditary cancer-predisposing syndrome. Last evaluated: 2017-07-26. Review status: criteria provided, single submitter. Criteria: Ambry Variant Classification Scheme 2023. Collection method: clinical testing. Allele origin: germline.

NM_177438.3(DICER1):c.3702A>G (p.Glu1234=)

Gene: DICER1 (dicer 1, ribonuclease III; minus strand). Cytogenetic location: 14q32.13.
Variant type: single nucleotide variant.
Coding change: c.3702A>G on transcript NM_177438.3 (MANE Select); coding-DNA position 3702, A replaced by G.
Protein change: p.Glu1234=; no amino-acid change (glutamic acid 1234 retained).
Molecular consequence: synonymous variant.
Genome position (GRCh38, 1-based): chr14:95,103,694, T>C on the plus strand (A>G on the coding strand, the complement: DICER1 is on the minus strand). VCF-style: chr14-95103694-T-C. GRCh37 (hg19) VCF-style: chr14-95570031-T-C.
Other names: c.3702A>G, p.Glu1234= (NM_001195573.1, NM_001271282.3, NM_001291628.2 and 1 more transcripts).
Identifiers: ClinVar variation 483421 (VCV000483421.19), dbSNP rs1026675266, ClinGen allele CA265906000.